The following is an entry in ClinVar:

NM_002890.3(RASA1):c.1673C>A (p.Ala558Glu)

Genes: CCNH (cyclin H; minus strand), RASA1 (RAS p21 protein activator 1; plus strand). Cytogenetic location: 5q14.3.
Variant type: single nucleotide variant.
Coding change: c.1673C>A on transcript NM_002890.3 (MANE Select); coding-DNA position 1673, C replaced by A.
Protein change: p.Ala558Glu; replaces alanine 558 with glutamic acid.
Molecular consequence: missense variant. On other transcripts: intron variant (1).
Genome position (GRCh38, 1-based): chr5:87,369,875, C>A. VCF-style: chr5-87369875-C-A. GRCh37 (hg19) VCF-style: chr5-86665692-C-A.
Other names: c.1142C>A, p.Ala381Glu (NM_022650.3); c.933+25169G>T (NM_001364075.2); short protein forms A558E, A381E.
Identifiers: ClinVar variation 2062272 (VCV002062272.4), dbSNP rs772920968, ClinGen allele CA3335811.

ClinVar aggregate classification (germline): Uncertain significance. Review status: criteria provided, multiple submitters, no conflicts (2 of 4 stars). 2 submissions from 2 submitters: Uncertain significance (2). Last evaluated 2025-10-17.

Conditions:
Cardiovascular phenotype. Identifiers: MedGen CN230736.
Capillary malformation-arteriovenous malformation syndrome. Also called: Capillary malformation-arteriovenous malformation. Identifiers: Orphanet 137667, MedGen C1842180, MONDO:0012016.

Allele frequency attached by ClinVar (database versions not stated): gnomAD 0.00001; gnomAD exomes 0.00001; ExAC 0.00003.
gnomAD v4.1: 17 of 1,610,818 alleles (0.0011%); highest among the groups gnomAD compares: Non-Finnish European, 0.00093%; 1 homozygote.

Submissions (2):

Labcorp Genetics (formerly Invitae), Labcorp
Classification: Uncertain significance for Capillary malformation-arteriovenous malformation syndrome. Last evaluated: 2025-10-17. Review status: criteria provided, single submitter. Criteria: Invitae Variant Classification Sherloc (09022015). Collection method: clinical testing. Allele origin: germline.
Comment: This sequence change replaces alanine, which is neutral and non-polar, with glutamic acid, which is acidic and polar, at codon 558 of the RASA1 protein (p.Ala558Glu). This variant is present in population databases (rs772920968, gnomAD 0.003%). This variant has not been reported in the literature in individuals affected with RASA1-related conditions. ClinVar contains an entry for this variant (Variation ID: 2062272). An algorithm developed to predict the effect of missense changes on protein structure and function (PolyPhen-2) suggests that this variant is likely to be disruptive. In summary, the available evidence is currently insufficient to determine the role of this variant in disease. Therefore, it has been classified as a Variant of Uncertain Significance.

Ambry Genetics
Classification: Uncertain significance for Cardiovascular phenotype. Last evaluated: 2023-02-23. Review status: criteria provided, single submitter. Criteria: Ambry Variant Classification Scheme 2023. Collection method: clinical testing. Allele origin: germline.
Comment: The p.A558E variant (also known as c.1673C>A), located in coding exon 12 of the RASA1 gene, results from a C to A substitution at nucleotide position 1673. The alanine at codon 558 is replaced by glutamic acid, an amino acid with dissimilar properties. This amino acid position is conserved. In addition, the in silico prediction for this alteration is inconclusive. Since supporting evidence is limited at this time, the clinical significance of this alteration remains unclear.